The following is an entry in ClinVar:

ClinVar aggregate classification (germline): Uncertain significance (1 of 4 stars; one submission).

gnomAD v4.1: 1 of 700,274 alleles (0.00014%); highest among the groups gnomAD compares: Non-Finnish European, 0.00026%; no homozygotes.

Submission:

Labcorp Genetics (formerly Invitae), Labcorp
Classification: Uncertain significance. Last evaluated: 2025-11-21. Review status: criteria provided, single submitter. Criteria: Invitae Variant Classification Sherloc (09022015). Collection method: clinical testing. Allele origin: germline.
Comment: This variant occurs in the RNU4ATAC gene, which encodes an RNA molecule that does not result in a protein product. This variant is not present in population databases (gnomAD no frequency). This variant has not been reported in the literature in individuals affected with RNU4ATAC-related conditions. ClinVar contains an entry for this variant (Variation ID: 2979089). Experimental studies and prediction algorithms are not available or were not evaluated, and the functional significance of this variant is currently unknown. This variant is located within the Sm protein-binding region of the RNU4ATAC RNA, which is important for small nuclear RNA maturation (PMID: 32628740). A significant number of disease-associated RNU4ATAC variants are found in this region (PMID: 32628740, 30368667). In summary, the available evidence is currently insufficient to determine the role of this variant in disease. Therefore, it has been classified as a Variant of Uncertain Significance.

Literature cited by the submitters: PubMed 32628740; PubMed 30368667.

NC_000002.12:g.121531001T>G

Genes: CLASP1 (cytoplasmic linker associated protein 1; minus strand), CLASP1-AS1 (CLASP1 antisense RNA 1; plus strand), RNU4ATAC (RNA, U4atac small nuclear; plus strand). Cytogenetic location: 2q14.2.
Variant type: single nucleotide variant.
Molecular consequence: intron variant (on NM_001395891.1).
Genome position: GRCh38 VCF-style: chr2-121531001-T-G. GRCh37 (hg19) VCF-style: chr2-122288577-T-G.
Other names: c.196-676A>C (NM_001142274.2, NM_015282.3, NM_001378003.1 and 5 more transcripts).
Identifiers: ClinVar variation 2979089 (VCV002979089.3), dbSNP rs576987062, ClinGen allele CA428888237.